The following is an entry in ClinVar:

ClinVar aggregate classification (germline): Likely pathogenic (1 of 4 stars; one submission).

Conditions:
DE SANCTIS-CACCHIONE SYNDROME. Identifiers: MedGen C0265201, MONDO:0010217, OMIM 278800.
Cerebrooculofacioskeletal syndrome 1 (COFS1). Also called: Cerebro-oculo-facio-skeletal syndrome 1. Identifiers: MedGen C0220722, MONDO:0008955, OMIM 214150.
Cockayne syndrome type 2 (CSB). Also called: Cockayne Syndrome, Type II; COCKAYNE SYNDROME B. Identifiers: Orphanet 191, Orphanet 90322, MedGen C0751038, MONDO:0019570, OMIM 133540.

Submission:

Diagnostics Services (NGS), CSIR - Centre For Cellular And Molecular Biology
Classification: Likely pathogenic for Cerebrooculofacioskeletal syndrome 1; Cockayne syndrome type 2; DE SANCTIS-CACCHIONE SYNDROME. Last evaluated: 2020-02-26. Review status: criteria provided, single submitter. Criteria: ACMG Guidelines, 2015. Collection method: clinical testing. Allele origin: germline. Inheritance: Autosomal recessive inheritance. Affected: yes. Observed: 1 homozygote.
Comment: The c.3113_3114del variant is not present in publicly available databases like1000 Genomes, Exome Variant Server (EVS), Exome Aggregation Consortium (ExAC), Genome Aggregation Database (gnomAD) and dbSNP. The variant is not present in our in-house exome database. The variant was not reported earlier to OMIM, ClinVar or HGMD databases. The variant causes a frameshift at 1038 amino acid position that creates stop codon at 1048 amino acid position of the altered transcript that may either cause nonsense mediated decay of the mRNA resulting no protein or a truncated protein due to premature stop codon. In-silico pathogenicity prediction programs MutationTaster2, CADD, Intervar etc. predicted this variant to be likely deleterious. The variant has been classified as likely pathogenic as per ACMG guidelines.

NM_000124.4(ERCC6):c.3113_3114del (p.Arg1038fs)

Gene: ERCC6 (ERCC excision repair 6, chromatin remodeling factor; minus strand). Cytogenetic location: 10q11.23.
Variant type: Deletion.
Coding change: c.3113_3114del on transcript NM_000124.4 (MANE Select); coding-DNA positions 3113 to 3114, 2 bases deleted (GA; older notation c.3113_3114delGA).
Protein change: p.Arg1038fs; shifts the reading frame from arginine 1038.
Molecular consequence: frameshift variant.
Genome position (GRCh38, 1-based): chr10:49,470,846-49,470,847, TC deleted on the plus strand (GA on the coding strand, the reverse complement: ERCC6 is on the minus strand); deleting any 2 consecutive bases within chr10:49,470,846-49,470,848 gives the same sequence; the c. name uses the placement nearest the transcript's 3' end. VCF-style (leftmost placement, unchanged base first): chr10-49470845-TTC-T. GRCh37 (hg19) VCF-style: chr10-50678891-TTC-T.
Other names: c.3113_3114del, p.Arg1038fs (NM_001346440.2); short protein forms R1038fs.
Identifiers: ClinVar variation 830316 (VCV000830316.5), dbSNP rs1850765501, ClinGen allele CA916081580.
Genomic context (GRCh38, chr10:49,470,845, plus strand): 5'-AAGCAGGGAACTTCTTGCGTTTTGGAACATCATGGTCTGCTCCAAAGGCTGGTTGAATCC[TTC>T]TTTTTAGATGGCATTTGGGTGTCTGAACATCTGATCCAGTTCCTGTAAAGAGGAAAAACA-3'